The following is an entry in ClinVar:

NM_000260.4(MYO7A):c.1358G>A (p.Cys453Tyr)

Gene: MYO7A (myosin VIIA; plus strand). Cytogenetic location: 11q13.5.
Variant type: single nucleotide variant.
Coding change: c.1358G>A on transcript NM_000260.4 (MANE Select); coding-DNA position 1358, G replaced by A.
Protein change: p.Cys453Tyr; replaces cysteine 453 with tyrosine.
Molecular consequence: missense variant.
Genome position (GRCh38, 1-based): chr11:77,162,134, G>A. VCF-style: chr11-77162134-G-A. GRCh37 (hg19) VCF-style: chr11-76873180-G-A.
Other names: DFNB2; c.1358G>A, p.Cys453Tyr (NM_001127180.2); c.1325G>A, p.Cys442Tyr (NM_001369365.1); short protein forms C453Y, C442Y.
Identifiers: ClinVar variation 306167 (VCV000306167.20), dbSNP rs202080237, ClinGen allele CA6197483.

ClinVar aggregate classification (germline): Conflicting classifications of pathogenicity. Review status: criteria provided, conflicting classifications (1 of 4 stars). 9 submissions from 7 submitters: Uncertain significance (5); Likely benign (3). 1 of the submissions does not count toward it. Last evaluated 2026-01-19.

Conditions:
Usher syndrome type 1 (USH1). Also called: RETINITIS PIGMENTOSA AND CONGENITAL DEAFNESS. Identifiers: Orphanet 231169, Orphanet 886, MedGen C1568247, MONDO:0010168, OMIM 276900.
Autosomal dominant nonsyndromic hearing loss 11. Identifiers: Orphanet 90635, MedGen C1832475, MONDO:0011032, OMIM 601317.
Autosomal recessive nonsyndromic hearing loss 2. Also called: NEUROSENSORY NONSYNDROMIC RECESSIVE DEAFNESS 2; DEAFNESS, AUTOSOMAL RECESSIVE 2. Identifiers: Orphanet 90636, MedGen C1838701, MONDO:0010807, OMIM 600060.
Inborn genetic diseases. Identifiers: MedGen C0950123, MeSH D030342.
Nonsyndromic genetic hearing loss. Also called: Nonsyndromic genetic deafness; Nonsyndromic hearing loss and deafness; Non-syndromic genetic deafness. Identifiers: Orphanet 87884, MedGen C5680182, MONDO:0019497.
Usher syndrome type 1B (USH1B). Also called: Usher syndrome type IB. Identifiers: MedGen C1848638, MONDO:0700087.

Allele frequency attached by ClinVar (database versions not stated): ExAC 0.00035; ESP Exome Variant Server 0.00008; gnomAD 0.00010 and 0.00011; TOPMed 0.00013; gnomAD exomes 0.00019.
gnomAD v4.1: 199 of 1,600,890 alleles (0.012%); highest among the groups gnomAD compares: Non-Finnish European, 0.0052%; no homozygotes.

Submissions (9):

Labcorp Genetics (formerly Invitae), Labcorp
Classification: Likely benign. Last evaluated: 2026-01-19. Review status: criteria provided, single submitter. Criteria: Invitae Variant Classification Sherloc (09022015). Collection method: clinical testing. Allele origin: germline.

Laboratory of Prof. Karen Avraham, Tel Aviv University
Classification: Uncertain significance for Autosomal recessive nonsyndromic hearing loss 2. Last evaluated: 2024-12-26. Review status: criteria provided, single submitter. Criteria: ACMG Guidelines, 2015. Collection method: research. Allele origin: germline. Affected: yes. Observed: 1 variant allele.
Comment: The MYO7A c.1358G>A:p.(Cys453Tyr) heterozygous, predicted deleterious, variant is a founder in the Ashkenazi Jewish population.

Blueprint Genetics
Classification: Likely benign. Last evaluated: 2024-06-07. Review status: criteria provided, single submitter. Criteria: ACMG Guidelines, 2015. Collection method: clinical testing. Allele origin: germline.

Ambry Genetics
Classification: Uncertain significance for Inborn genetic diseases. Last evaluated: 2021-07-06. Review status: criteria provided, single submitter. Criteria: Ambry Variant Classification Scheme 2023. Collection method: clinical testing. Allele origin: germline.

Victorian Clinical Genetics Services, Murdoch Childrens Research Institute
Classification: Uncertain significance for Nonsyndromic genetic hearing loss. Last evaluated: 2020-05-21. Review status: criteria provided, single submitter. Criteria: ACMG Guidelines, 2015. Collection method: clinical testing. Allele origin: germline. Affected: yes.
Comment: A heterozygous missense variant was identified, NM_000260.3(MYO7A):c.1358G>A in exon 13 of 49 of the MYO7A gene. This substitution is predicted to create a major amino acid change from cysteine to tyrosine at position 453 of the protein, NP_000251.3(MYO7A):p.(Cys453Tyr). The cysteine at this position has very high conservation (100 vertebrates, UCSC), and is located within the myosin_head motor functional domain. In silico software predicts this variant to be pathogenic (PolyPhen, SIFT, CADD, MutationTaster). The variant is present in the gnomAD population database at a frequency of 0.018% (46 heterozygotes; 0 homozygotes). The variant has been previously reported as a VUS (ClinVar). Based on information available at the time of curation, this variant has been classified as a VARIANT of UNCERTAIN SIGNIFICANCE (VUS).

Illumina Laboratory Services, Illumina
Classification: Uncertain significance for Usher syndrome type 1. Last evaluated: 2018-01-12. Review status: criteria provided, single submitter. Criteria: ICSL Variant Classification Criteria 13 December 2019. Collection method: clinical testing. Allele origin: germline.

Illumina Laboratory Services, Illumina
Classification: Likely benign for Autosomal dominant nonsyndromic hearing loss 11. Last evaluated: 2018-01-12. Review status: criteria provided, single submitter. Criteria: ICSL Variant Classification Criteria 13 December 2019. Collection method: clinical testing. Allele origin: germline.
Comment: This variant was observed in the ICSL laboratory as part of a predisposition screen in an ostensibly healthy population. It had not been previously curated by ICSL or reported in the Human Gene Mutation Database (HGMD: prior to June 1st, 2018), and was therefore a candidate for classification through an automated scoring system. Utilizing variant allele frequency, disease prevalence and penetrance estimates, and inheritance mode, an automated score was calculated to assess if this variant is too frequent to cause the disease. Based on the score and internal cut-off values, a variant classified as likely benign is not then subjected to further curation. The score for this variant resulted in a classification of likely benign for this disease.

Illumina Laboratory Services, Illumina
Classification: Uncertain significance for Autosomal recessive nonsyndromic hearing loss 2. Last evaluated: 2018-01-12. Review status: criteria provided, single submitter. Criteria: ICSL Variant Classification Criteria 13 December 2019. Collection method: clinical testing. Allele origin: germline.

Natera, Inc.
Classification: Likely benign for Usher syndrome type 1B. Last evaluated: 2020-04-16. Review status: no assertion criteria provided. Collection method: clinical testing. Allele origin: germline. Not counted in ClinVar's aggregate classification.